The following is an entry in ClinVar:

NM_004715.5(CTDP1):c.280C>A (p.Leu94Met)

Gene: CTDP1 (CTD phosphatase subunit 1; plus strand). Cytogenetic location: 18q23.
Variant type: single nucleotide variant.
Coding change: c.280C>A on transcript NM_004715.5 (MANE Select); coding-DNA position 280, C replaced by A.
Protein change: p.Leu94Met; replaces leucine 94 with methionine.
Molecular consequence: missense variant.
Genome position (GRCh38, 1-based): chr18:79,680,227, C>A. VCF-style: chr18-79680227-C-A. GRCh37 (hg19) VCF-style: chr18-77440227-C-A.
Other names: c.280C>A, p.Leu94Met (NM_001318511.2, NM_048368.4); short protein forms L94M.
Identifiers: ClinVar variation 2186052 (VCV002186052.2), dbSNP rs774697090, ClinGen allele CA9009902.
Genomic context (GRCh38, chr18:79,680,227, plus strand): 5'-GTGCGCCCCGCGCGGCCGGAACGCAGGCTGAGGTCGGAGCGCGCGGGCGTGGTGCGGGAG[C>A]TGTGCGCGCAGCCGGGCCAGGTGGTCGCCCCAGGGTGAGTGTGCTGAGCCGGGCGGGGCC-3'
Protein context (NP_004706.3, residues 84-104): RSERAGVVRE[Leu94Met]CAQPGQVVAP

ClinVar aggregate classification (germline): Uncertain significance. Review status: criteria provided, multiple submitters, no conflicts (2 of 4 stars). 2 submissions from 2 submitters: Uncertain significance (2). Last evaluated 2025-09-11.

Allele frequency attached by ClinVar (database versions not stated): gnomAD 0.00007; ExAC 0.00191.
gnomAD v4.1: 126 of 1,353,978 alleles (0.0093%); highest among the groups gnomAD compares: South Asian, 0.17%; 2 homozygotes.

Submissions (2):

Ambry Genetics
Classification: Uncertain significance. Last evaluated: 2025-09-11. Review status: criteria provided, single submitter. Criteria: Ambry Variant Classification Scheme 2023. Collection method: clinical testing. Allele origin: germline.

Labcorp Genetics (formerly Invitae), Labcorp
Classification: Uncertain significance. Last evaluated: 2022-06-30. Review status: criteria provided, single submitter. Criteria: Invitae Variant Classification Sherloc (09022015). Collection method: clinical testing. Allele origin: germline.
Comment: This sequence change replaces leucine, which is neutral and non-polar, with methionine, which is neutral and non-polar, at codon 94 of the CTDP1 protein (p.Leu94Met). This variant is present in population databases (rs774697090, gnomAD 0.1%). This variant has not been reported in the literature in individuals affected with CTDP1-related conditions. Algorithms developed to predict the effect of missense changes on protein structure and function are either unavailable or do not agree on the potential impact of this missense change (SIFT: "Tolerated"; PolyPhen-2: "Probably Damaging"; Align-GVGD: "Class C0"). In summary, the available evidence is currently insufficient to determine the role of this variant in disease. Therefore, it has been classified as a Variant of Uncertain Significance.